The following is an entry in ClinVar:

ClinVar aggregate classification (germline): Likely benign (1 of 4 stars; one submission).

Allele frequency attached by ClinVar (database versions not stated): gnomAD 0.00433; 1000 Genomes Project 30x 0.00437; 1000 Genomes Project 0.00439; TOPMed 0.00536.
gnomAD v4.1: 651 of 151,660 alleles (0.43%); highest among the groups gnomAD compares: African/African-American, 1.5%; 3 homozygotes.

Submission:

GeneDx
Classification: Likely benign. Last evaluated: 2019-10-12. Review status: criteria provided, single submitter. Criteria: GeneDx Variant Classification Process June 2021. Collection method: clinical testing. Allele origin: germline. Affected: yes.
Comment: See Variant Classification Assertion Criteria.

NM_006904.7(PRKDC):c.1777-647G>A

Gene: PRKDC (protein kinase, DNA-activated, catalytic subunit; minus strand). Cytogenetic location: 8q11.21.
Variant type: single nucleotide variant.
Coding change: c.1777-647G>A on transcript NM_006904.7 (MANE Select); 647 bases into the intron before coding-DNA position 1777, G replaced by A.
Molecular consequence: intron variant.
Genome position (GRCh38, 1-based): chr8:47,931,434, C>T on the plus strand (G>A on the coding strand, the complement: PRKDC is on the minus strand). VCF-style: chr8-47931434-C-T. GRCh37 (hg19) VCF-style: chr8-48843994-C-T.
Other names: c.1777-647G>A (NM_001081640.2).
Identifiers: ClinVar variation 1706835 (VCV001706835.2), dbSNP rs149700442, ClinGen allele CA176165031.
Genomic context (GRCh38, chr8:47,931,434, plus strand): 5'-AATGAAGCTGGAAGGGCAGGGAACAGAGGAGAAAGGGAAGCCACTGAAGACAGCAATGAA[C>T]ACACATGTTCTAAAATGCAGGTCTGTCAGCTGACACAGTTCCAGGAAGTCCCTTTGGGCA-3'